The following is an entry in ClinVar:

NM_003872.3(NRP2):c.471C>A (p.Asn157Lys)

Gene: NRP2 (neuropilin 2; plus strand). Cytogenetic location: 2q33.3.
Variant type: single nucleotide variant.
Coding change: c.471C>A on transcript NM_003872.3 (MANE Select); coding-DNA position 471, C replaced by A.
Protein change: p.Asn157Lys; replaces asparagine 157 with lysine.
Molecular consequence: missense variant.
Genome position (GRCh38, 1-based): chr2:205,722,515, C>A. VCF-style: chr2-205722515-C-A. GRCh37 (hg19) VCF-style: chr2-206587239-C-A.
Other names: c.471C>A, p.Asn157Lys (NM_018534.4, NM_201264.2, NM_201266.2 and 2 more transcripts); short protein forms N157K.
Identifiers: ClinVar variation 4998498 (VCV004998498.1).

ClinVar aggregate classification (germline): Uncertain significance (1 of 4 stars; one submission).

Conditions:
NRP2-related disorder. Also called: NRP2-related condition.

gnomAD v4.1: 1 of 1,614,196 alleles (0.000062%); no homozygotes.

Submission:

PreventionGenetics, part of Exact Sciences
Classification: Uncertain significance for NRP2-related condition. Last evaluated: 2025-11-18. Review status: criteria provided, single submitter. Criteria: ACMG Guidelines, 2015. Collection method: clinical testing. Allele origin: germline.
Comment: The NRP2 c.471C>A variant is predicted to result in the amino acid substitution p.Asn157Lys. To our knowledge, this variant has not been reported in the literature or in a large population database (gnomAD), indicating this variant is rare. At this time, the clinical significance of this variant is uncertain due to the absence of conclusive functional and genetic evidence.